The following is an entry in ClinVar:

ClinVar aggregate classification (germline): Uncertain significance (1 of 4 stars; one submission).

gnomAD v4.1: 5 of 1,600,886 alleles (0.00031%); highest among the groups gnomAD compares: South Asian, 0.0044%; no homozygotes.

Submission:

GeneDx
Classification: Uncertain significance. Last evaluated: 2024-08-14. Review status: criteria provided, single submitter. Criteria: GeneDx Variant Classification Process June 2021. Collection method: clinical testing. Allele origin: germline. Affected: yes.
Comment: Not observed at significant frequency in large population cohorts (gnomAD); In silico analysis indicates that this missense variant does not alter protein structure/function; Has not been previously published as pathogenic or benign to our knowledge

NM_001129.5(AEBP1):c.2060C>T (p.Ala687Val)

Gene: AEBP1 (AE binding protein 1; plus strand). Cytogenetic location: 7p13.
Variant type: single nucleotide variant.
Coding change: c.2060C>T on transcript NM_001129.5 (MANE Select); coding-DNA position 2060, C replaced by T.
Protein change: p.Ala687Val; replaces alanine 687 with valine.
Molecular consequence: missense variant.
Genome position (GRCh38, 1-based): chr7:44,112,164, C>T. VCF-style: chr7-44112164-C-T. GRCh37 (hg19) VCF-style: chr7-44151763-C-T.
Other names: short protein forms A687V.
Identifiers: ClinVar variation 3731096 (VCV003731096.1).